The following is an entry in ClinVar:

ClinVar aggregate classification (germline): Uncertain significance. Review status: criteria provided, single submitter (1 of 4 stars). 2 submissions from 2 submitters: Uncertain significance (1). 1 of the submissions does not count toward it. Last evaluated 2022-01-25.

Conditions:
Hereditary cancer-predisposing syndrome. Also called: Neoplastic Syndromes, Hereditary; Hereditary neoplastic syndrome; Tumor predisposition; Hereditary Cancer Syndrome. Identifiers: Orphanet 140162, MedGen C0027672, MeSH D009386, MONDO:0015356.
Familial cancer of breast. Also called: BREAST CANCER, FAMILIAL; Hereditary breast cancer; hereditary breast carcinoma. Identifiers: Orphanet 227535, MedGen C0346153, MONDO:0016419, OMIM 114480. Disease mechanism: loss of function.

Allele frequency attached by ClinVar (database versions not stated): TOPMed below 0.00001.

Submissions (2):

Ambry Genetics
Classification: Uncertain significance for Hereditary cancer-predisposing syndrome. Last evaluated: 2022-01-25. Review status: criteria provided, single submitter. Criteria: Ambry Variant Classification Scheme 2023. Collection method: clinical testing. Allele origin: germline.
Comment: The p.E116K variant (also known as c.346G>A), located in coding exon 5 of the BRCA1 gene, results from a G to A substitution at nucleotide position 346. The glutamic acid at codon 116 is replaced by lysine, an amino acid with similar properties. This alteration has been reported in 1/14 Indian breast cancer patients with a family history of breast and/or ovarian cancer (Kumar BV et al. Cancer Biol. Ther. 2001:18-21). This alteration has also been reported in a cohort of Lebanese individuals referred for BRCA1/2 testing (Farra C et al. Hered Cancer Clin Pract. 2019 Jan;17:4). In one high throughput functional study, this variant was shown to impair both BARD1 binding activity and E3 Ubiquitin ligase function of the protein (Starita LM et al. Genetics. 2015 Jun;200:413-22). This amino acid position is highly conserved in available vertebrate species. In addition, this alteration is predicted to be deleterious by in silico analysis. Since supporting evidence is limited at this time, the clinical significance of this alteration remains unclear.

ClinVar Staff, National Center for Biotechnology Information (NCBI)
No classification provided. Condition: Familial cancer of breast. Review status: no classification provided. Collection method: literature only. Allele origin: germline. Affected: yes. Not counted in ClinVar's aggregate classification.

Literature cited by the submitters: PubMed 12170759 (cited by Ambry Genetics and ClinVar Staff, National Center for Biotechnology Information (NCBI)); PubMed 25823446 (cited by Ambry Genetics); PubMed 30675319 (cited by Ambry Genetics).

NM_007294.4(BRCA1):c.346G>A (p.Glu116Lys)

Gene: BRCA1 (BRCA1 DNA repair associated; minus strand). Cytogenetic location: 17q21.31.
Variant type: single nucleotide variant.
Coding change: c.346G>A on transcript NM_007294.4 (MANE Select); coding-DNA position 346, G replaced by A.
Protein change: p.Glu116Lys; replaces glutamic acid 116 with lysine.
Molecular consequence: missense variant. On other transcripts: non-coding transcript variant (1).
Genome position (GRCh38, 1-based): chr17:43,104,217, C>T on the plus strand (G>A on the coding strand, the complement: BRCA1 is on the minus strand). VCF-style: chr17-43104217-C-T. GRCh37 (hg19) VCF-style: chr17-41256234-C-T.
Other names: c.136G>A, p.Glu46Lys (NM_001407900.1, NM_001407902.1, NM_001407904.1 and 58 more transcripts); c.346G>A, p.Glu116Lys (NM_001407919.1, NM_001407937.1, NM_001407938.1 and 165 more transcripts); c.205G>A, p.Glu69Lys (NM_001407920.1, NM_001407921.1, NM_001407922.1 and 99 more transcripts); c.-36G>A (NM_001407959.1, NM_001407960.1, NM_001407962.1 and 4 more transcripts); c.337G>A, p.Glu113Lys (NM_001408408.1, NM_001407646.1, NM_001407647.1); c.268G>A, p.Glu90Lys (NM_001408409.1, NM_001408411.1, NM_001408412.1 and 21 more transcripts); c.214G>A, p.Glu72Lys (NM_001408451.1); short protein forms E116K, E69K, E113K, E46K, E72K, E90K.
Identifiers: ClinVar variation 54893 (VCV000054893.4), dbSNP rs397509071, ClinGen allele CA002236.
Genomic context (GRCh38, chr17:43,104,217, plus strand): 5'-TTTTGGCACGGTTTCTGTAGCCCATACTTTGGATGATAGAAACTTCATCTTTTAGATGTT[C>T]AGGAGAGTTATTTTCCTTTTTTGCAAAATTATAGCTGTTTGCATCTGTAAAATACAAGGG-3'
Protein context (NP_009225.1, residues 106-126): NFAKKENNSP[Glu116Lys]HLKDEVSIIQ